The following is an entry in ClinVar:

ClinVar aggregate classification (germline): Uncertain significance. Review status: criteria provided, multiple submitters, no conflicts (2 of 4 stars). 2 submissions from 2 submitters: Uncertain significance (2). Last evaluated 2022-03-04.

Conditions:
Hereditary cancer-predisposing syndrome. Also called: Neoplastic Syndromes, Hereditary; Hereditary neoplastic syndrome; Hereditary Cancer Syndrome; Tumor predisposition. Identifiers: Orphanet 140162, MedGen C0027672, MeSH D009386, MONDO:0015356.
Microcephaly, normal intelligence and immunodeficiency (NBS). Also called: Microcephaly with normal intelligence immunodeficiency and lymphoreticular malignancies; Nonsyndromal microcephaly autosomal recessive with normal intelligence; Seemanova syndrome 2; Immunodeficiency, microcephaly with normal intelligence; BERLIN BREAKAGE SYNDROME; SEEMANOVA SYNDROME II. Identifiers: Orphanet 647, MedGen C0398791, MONDO:0009623, OMIM 251260.

Submissions (2):

Ambry Genetics
Classification: Uncertain significance for Hereditary cancer-predisposing syndrome. Last evaluated: 2022-03-04. Review status: criteria provided, single submitter. Criteria: Ambry Variant Classification Scheme 2023. Collection method: clinical testing. Allele origin: germline.
Comment: The p.T463I variant (also known as c.1388C>T), located in coding exon 10 of the NBN gene, results from a C to T substitution at nucleotide position 1388. The threonine at codon 463 is replaced by isoleucine, an amino acid with similar properties. This amino acid position is not well conserved in available vertebrate species. In addition, this alteration is predicted to be tolerated by in silico analysis. Since supporting evidence is limited at this time, the clinical significance of this alteration remains unclear.

Labcorp Genetics (formerly Invitae), Labcorp
Classification: Uncertain significance for Microcephaly, normal intelligence and immunodeficiency. Last evaluated: 2022-01-07. Review status: criteria provided, single submitter. Criteria: Invitae Variant Classification Sherloc (09022015). Collection method: clinical testing. Allele origin: germline.
Comment: This variant has not been reported in the literature in individuals affected with NBN-related conditions. In summary, the available evidence is currently insufficient to determine the role of this variant in disease. Therefore, it has been classified as a Variant of Uncertain Significance. Algorithms developed to predict the effect of missense changes on protein structure and function (SIFT, PolyPhen-2, Align-GVGD) all suggest that this variant is likely to be tolerated. This variant is not present in population databases (gnomAD no frequency). This sequence change replaces threonine, which is neutral and polar, with isoleucine, which is neutral and non-polar, at codon 463 of the NBN protein (p.Thr463Ile).

NM_002485.5(NBN):c.1388C>T (p.Thr463Ile)

Gene: NBN (nibrin; minus strand). Cytogenetic location: 8q21.3.
Variant type: single nucleotide variant.
Coding change: c.1388C>T on transcript NM_002485.5 (MANE Select); coding-DNA position 1388, C replaced by T.
Protein change: p.Thr463Ile; replaces threonine 463 with isoleucine.
Molecular consequence: missense variant.
Genome position (GRCh38, 1-based): chr8:89,955,292, G>A on the plus strand (C>T on the coding strand, the complement: NBN is on the minus strand). VCF-style: chr8-89955292-G-A. GRCh37 (hg19) VCF-style: chr8-90967520-G-A.
Other names: c.1142C>T, p.Thr381Ile (NM_001024688.3); short protein forms T381I, T463I.
Identifiers: ClinVar variation 1408010 (VCV001408010.8), dbSNP rs2129716704, ClinGen allele CA371655967.